The following is an entry in ClinVar:

NM_001128148.3(TFRC):c.1159C>G (p.Leu387Val)

Gene: TFRC (transferrin receptor; minus strand). Cytogenetic location: 3q29.
Variant type: single nucleotide variant.
Coding change: c.1159C>G on transcript NM_001128148.3 (MANE Select); coding-DNA position 1159, C replaced by G.
Protein change: p.Leu387Val; replaces leucine 387 with valine.
Molecular consequence: missense variant.
Genome position (GRCh38, 1-based): chr3:196,065,482, G>C on the plus strand (C>G on the coding strand, the complement: TFRC is on the minus strand). VCF-style: chr3-196065482-G-C. GRCh37 (hg19) VCF-style: chr3-195792353-G-C.
Other names: c.916C>G, p.Leu306Val (NM_001313965.2); c.313C>G, p.Leu105Val (NM_001313966.2); c.1159C>G, p.Leu387Val (NM_003234.4); short protein forms L306V, L387V, L105V.
Identifiers: ClinVar variation 4761526 (VCV004761526.1).

ClinVar aggregate classification (germline): Uncertain significance (1 of 4 stars; one submission).

gnomAD v4.1: 1 of 1,461,096 alleles (0.000068%); highest among the groups gnomAD compares: Non-Finnish European, 0.000092%; no homozygotes.

Submission:

Labcorp Genetics (formerly Invitae), Labcorp
Classification: Uncertain significance. Last evaluated: 2025-05-30. Review status: criteria provided, single submitter. Criteria: Invitae Variant Classification Sherloc (09022015). Collection method: clinical testing. Allele origin: germline.
Comment: This sequence change replaces leucine, which is neutral and non-polar, with valine, which is neutral and non-polar, at codon 387 of the TFRC protein (p.Leu387Val). This variant is present in population databases (no rsID available, gnomAD 0.0009%). This variant has not been reported in the literature in individuals affected with TFRC-related conditions. Invitae Evidence Modeling of protein sequence and biophysical properties (such as structural, functional, and spatial information, amino acid conservation, physicochemical variation, residue mobility, and thermodynamic stability) indicates that this missense variant is not expected to disrupt TFRC protein function with a negative predictive value of 80%. In summary, the available evidence is currently insufficient to determine the role of this variant in disease. Therefore, it has been classified as a Variant of Uncertain Significance.